The following is an entry in ClinVar:

NM_004415.4(DSP):c.6832A>G (p.Met2278Val)

Gene: DSP (desmoplakin; plus strand). Cytogenetic location: 6p24.3.
Variant type: single nucleotide variant.
Coding change: c.6832A>G on transcript NM_004415.4 (MANE Select); coding-DNA position 6832, A replaced by G.
Protein change: p.Met2278Val; replaces methionine 2278 with valine.
Molecular consequence: missense variant.
Genome position (GRCh38, 1-based): chr6:7,584,094, A>G. VCF-style: chr6-7584094-A-G. GRCh37 (hg19) VCF-style: chr6-7584327-A-G.
Other names: c.5035A>G, p.Met1679Val (NM_001008844.3); c.5503A>G, p.Met1835Val (NM_001319034.2); short protein forms M1679V, M1835V, M2278V.
Identifiers: ClinVar variation 3748630 (VCV003748630.2).

ClinVar aggregate classification (germline): Uncertain significance (1 of 4 stars; one submission).

Conditions:
Arrhythmogenic cardiomyopathy with wooly hair and keratoderma. Also called: PALMOPLANTAR KERATODERMA WITH LEFT VENTRICULAR CARDIOMYOPATHY AND WOOLLY HAIR; Dilated cardiomyopathy with woolly hair and keratoderma; Carvajal syndrome; Arrhythmogenic cardiomyopathy with woolly hair and keratoderma. Identifiers: Orphanet 65282, MedGen C1854063, MONDO:0011581, OMIM 605676.
Arrhythmogenic right ventricular dysplasia 8 (ARVD8). Also called: Arrhythmogenic Right Ventricular Dysplasia/Cardiomyopathy 8; ARRHYTHMOGENIC RIGHT VENTRICULAR DYSPLASIA, FAMILIAL, 8; ARRHYTHMOGENIC RIGHT VENTRICULAR CARDIOMYOPATHY 8. Identifiers: MedGen C1843896, MONDO:0011831, OMIM 607450.

Submission:

Labcorp Genetics (formerly Invitae), Labcorp
Classification: Uncertain significance for Arrhythmogenic cardiomyopathy with wooly hair and keratoderma; Arrhythmogenic right ventricular dysplasia 8. Last evaluated: 2024-02-22. Review status: criteria provided, single submitter. Criteria: Invitae Variant Classification Sherloc (09022015). Collection method: clinical testing. Allele origin: germline.
Comment: This sequence change replaces methionine, which is neutral and non-polar, with valine, which is neutral and non-polar, at codon 2278 of the DSP protein (p.Met2278Val). This variant is not present in population databases (gnomAD no frequency). This variant has not been reported in the literature in individuals affected with DSP-related conditions. An algorithm developed to predict the effect of missense changes on protein structure and function (PolyPhen-2) suggests that this variant is likely to be disruptive. In summary, the available evidence is currently insufficient to determine the role of this variant in disease. Therefore, it has been classified as a Variant of Uncertain Significance.